The following is an entry in ClinVar:

ClinVar aggregate classification (germline): Likely benign (1 of 4 stars; one submission).

Conditions:
Hereditary diffuse gastric adenocarcinoma (HDGC). Also called: DIFFUSE GASTRIC AND LOBULAR BREAST CANCER SYNDROME. Identifiers: Orphanet 26106, MedGen C1708349, MONDO:0007648, OMIM 137215.

Submission:

Myriad Genetics, Inc.
Classification: Likely benign for Hereditary diffuse gastric adenocarcinoma. Last evaluated: 2024-09-19. Review status: criteria provided, single submitter. Criteria: Myriad Autosomal Dominant, Autosomal Recessive and X-Linked Classification Criteria (2023). Collection method: clinical testing. Allele origin: unknown.
Comment: This variant is considered likely benign. This variant is intronic and is not expected to impact mRNA splicing.

NM_004360.5(CDH1):c.1566-16G>T

Gene: CDH1 (cadherin 1; plus strand). Cytogenetic location: 16q22.1.
Variant type: single nucleotide variant.
Coding change: c.1566-16G>T on transcript NM_004360.5 (MANE Select); 16 bases into the intron before coding-DNA position 1566, G replaced by T.
Molecular consequence: intron variant.
Genome position (GRCh38, 1-based): chr16:68,819,264, G>T. VCF-style: chr16-68819264-G-T. GRCh37 (hg19) VCF-style: chr16-68853167-G-T.
Other names: c.18-16G>T (NM_001317185.2); c.-254-2737G>T (NM_001317186.2); c.1383-16G>T (NM_001317184.2).
Identifiers: ClinVar variation 3378817 (VCV003378817.1).